The following is an entry in ClinVar:

ClinVar aggregate classification (germline): Uncertain significance. Review status: criteria provided, multiple submitters, no conflicts (2 of 4 stars). 3 submissions from 3 submitters: Uncertain significance (3). Last evaluated 2024-04-24.

Conditions:
Polycystic kidney disease, adult type (PKD1). Also called: POLYCYSTIC KIDNEY DISEASE 1 WITH OR WITHOUT POLYCYSTIC LIVER DISEASE; Polycystic Kidney Disease 1, Autosomal Dominant; Polycystic kidney disease 1; Polycystic kidney disease 1, severe; Polycystic Kidney, Autosomal Dominant; POLYCYSTIC KIDNEY DISEASE, ADULT, TYPE I. Identifiers: MedGen C3149841, MONDO:0008263, OMIM 173900.

Allele frequency attached by ClinVar (database versions not stated): gnomAD 0.00001; gnomAD exomes 0.00001; ExAC 0.00002.

Submissions (3):

Fulgent Genetics
Classification: Uncertain significance for Polycystic kidney disease, adult type. Last evaluated: 2024-04-24. Review status: criteria provided, single submitter. Criteria: ACMG Guidelines, 2015. Collection method: clinical testing. Allele origin: germline.

GeneDx
Classification: Uncertain significance. Last evaluated: 2023-01-18. Review status: criteria provided, single submitter. Criteria: GeneDx Variant Classification Process June 2021. Collection method: clinical testing. Allele origin: germline. Affected: yes.
Comment: Reported with a second variant (phase unknown) in a patient with polycystic kidney disease in published literature (Rossetti et al., 2012); Not observed at significant frequency in large population cohorts (gnomAD); In silico analysis supports that this missense variant does not alter protein structure/function; This variant is associated with the following publications: (PMID: 22383692)

Department of Pathology and Laboratory Medicine, Sinai Health System
Classification: Uncertain significance for Polycystic kidney disease, adult type. Last evaluated: 2018-05-11. Review status: criteria provided, single submitter. Criteria: ACMG Guidelines, 2015. Collection method: clinical testing. Allele origin: germline. Affected: yes.

Literature cited by the submitters: PubMed 22383692 (cited by Department of Pathology and Laboratory Medicine, Sinai Health System).

NM_001009944.3(PKD1):c.3761C>T (p.Ser1254Leu)

Gene: PKD1 (polycystin 1, transient receptor potential channel interacting; minus strand). Cytogenetic location: 16p13.3.
Variant type: single nucleotide variant.
Coding change: c.3761C>T on transcript NM_001009944.3 (MANE Select); coding-DNA position 3761, C replaced by T.
Protein change: p.Ser1254Leu; replaces serine 1254 with leucine.
Molecular consequence: missense variant.
Genome position (GRCh38, 1-based): chr16:2,111,406, G>A on the plus strand (C>T on the coding strand, the complement: PKD1 is on the minus strand). VCF-style: chr16-2111406-G-A. GRCh37 (hg19) VCF-style: chr16-2161407-G-A.
Other names: c.3761C>T, p.Ser1254Leu (NM_000296.4); short protein forms S1254L.
Identifiers: ClinVar variation 2573950 (VCV002573950.3), dbSNP rs763539652, ClinGen allele CA7832644.